The following is an entry in ClinVar:

ClinVar aggregate classification (germline): Uncertain significance. Review status: criteria provided, multiple submitters, no conflicts (2 of 4 stars). 4 submissions from 4 submitters: Uncertain significance (4). Last evaluated 2024-07-22.

Conditions:
Inborn genetic diseases. Identifiers: MedGen C0950123, MeSH D030342.
Asphyxiating thoracic dystrophy 5 (SRTD5). Also called: SHORT-RIB THORACIC DYSPLASIA 5 WITH OR WITHOUT POLYDACTYLY; SHORT-RIB THORACIC DYSPLASIA 5 WITHOUT POLYDACTYLY. Identifiers: Orphanet 474, MedGen C3280598, MONDO:0013717, OMIM 614376.
Senior-Loken syndrome 8 (SLSN8). Identifiers: Orphanet 3156, MedGen C4225376, MONDO:0014579, OMIM 616307.

Allele frequency attached by ClinVar (database versions not stated): gnomAD 0.00005; TOPMed 0.00005.
gnomAD v4.1: 22 of 1,588,170 alleles (0.0014%); highest among the groups gnomAD compares: Non-Finnish European, 0.0019%; no homozygotes.

Submissions (4):

ARUP Laboratories, Molecular Genetics and Genomics, ARUP Laboratories
Classification: Uncertain significance. Last evaluated: 2024-07-22. Review status: criteria provided, single submitter. Criteria: ARUP Molecular Germline Variant Investigation Process 2024. Collection method: clinical testing. Allele origin: germline.
Comment: The WDR19 c.3140C>T; p.Pro1047Leu variant (rs1244203665), to our knowledge, is not reported in the medical literature but is reported in ClinVar (Variation ID: 965766). This variant is only observed on two alleles in the Genome Aggregation Database (v2.1.1), indicating it is not a common polymorphism, but is considered a low confidence variant in the database. Computational analyses are uncertain whether this variant is neutral or deleterious (REVEL: 0.204). Due to limited information, the clinical significance of this variant is uncertain at this time.

Blueprint Genetics
Classification: Uncertain significance. Last evaluated: 2023-10-27. Review status: criteria provided, single submitter. Criteria: ACMG Guidelines, 2015. Collection method: clinical testing. Allele origin: germline.

Ambry Genetics
Classification: Uncertain significance for Inborn genetic diseases. Last evaluated: 2022-11-22. Review status: criteria provided, single submitter. Criteria: Ambry Variant Classification Scheme 2023. Collection method: clinical testing. Allele origin: germline.

Labcorp Genetics (formerly Invitae), Labcorp
Classification: Uncertain significance for Senior-Loken syndrome 8; Asphyxiating thoracic dystrophy 5. Last evaluated: 2022-05-14. Review status: criteria provided, single submitter. Criteria: Invitae Variant Classification Sherloc (09022015). Collection method: clinical testing. Allele origin: germline.
Comment: This sequence change replaces proline, which is neutral and non-polar, with leucine, which is neutral and non-polar, at codon 1047 of the WDR19 protein (p.Pro1047Leu). The frequency data for this variant in the population databases is considered unreliable, as metrics indicate poor data quality at this position in the gnomAD database. This variant has not been reported in the literature in individuals affected with WDR19-related conditions. ClinVar contains an entry for this variant (Variation ID: 965766). Algorithms developed to predict the effect of missense changes on protein structure and function are either unavailable or do not agree on the potential impact of this missense change (SIFT: "Deleterious"; PolyPhen-2: "Benign"; Align-GVGD: "Class C0"). In summary, the available evidence is currently insufficient to determine the role of this variant in disease. Therefore, it has been classified as a Variant of Uncertain Significance.

NM_025132.4(WDR19):c.3140C>T (p.Pro1047Leu)

Gene: WDR19 (WD repeat domain 19; plus strand). Cytogenetic location: 4p14.
Variant type: single nucleotide variant.
Coding change: c.3140C>T on transcript NM_025132.4 (MANE Select); coding-DNA position 3140, C replaced by T.
Protein change: p.Pro1047Leu; replaces proline 1047 with leucine.
Molecular consequence: missense variant.
Genome position (GRCh38, 1-based): chr4:39,257,511, C>T. VCF-style: chr4-39257511-C-T. GRCh37 (hg19) VCF-style: chr4-39259131-C-T.
Other names: c.2660C>T, p.Pro887Leu (NM_001317924.2); short protein forms P887L, P1047L.
Identifiers: ClinVar variation 965766 (VCV000965766.9), dbSNP rs1244203665, ClinGen allele CA356643553.